The following is an entry in ClinVar:

ClinVar aggregate classification (germline): Uncertain significance (1 of 4 stars; one submission).

Submission:

CeGaT Center for Human Genetics Tuebingen
Classification: Uncertain significance. Last evaluated: 2026-06-01. Review status: criteria provided, single submitter. Criteria: CeGaT Center For Human Genetics Tuebingen Variant Classification Criteria Version 2. Collection method: clinical testing. Allele origin: germline. Affected: yes. Observed: 1 variant allele.
Comment: NPRL2: PM2, PP3

NM_006545.5(NPRL2):c.802G>A (p.Val268Met)

Gene: NPRL2 (NPR2 like, GATOR1 complex subunit; minus strand). Cytogenetic location: 3p21.31.
Variant type: single nucleotide variant.
Coding change: c.802G>A on transcript NM_006545.5 (MANE Select); coding-DNA position 802, G replaced by A.
Protein change: p.Val268Met; replaces valine 268 with methionine.
Molecular consequence: missense variant.
Genome position (GRCh38, 1-based): chr3:50,348,329, C>T on the plus strand (G>A on the coding strand, the complement: NPRL2 is on the minus strand). VCF-style: chr3-50348329-C-T. GRCh37 (hg19) VCF-style: chr3-50385760-C-T.
Other names: short protein forms V268M.
Identifiers: ClinVar variation 4873371 (VCV004873371.2).